The following is an entry in ClinVar:

ClinVar aggregate classification (germline): Uncertain significance (1 of 4 stars; one submission).

Conditions:
Fabry disease. Also called: Fabry's disease; ALPHA-GALACTOSIDASE A DEFICIENCY; ANDERSON-FABRY DISEASE; CERAMIDE TRIHEXOSIDASE DEFICIENCY; GLA DEFICIENCY; HEREDITARY DYSTOPIC LIPIDOSIS. Identifiers: Orphanet 324, MedGen C0002986, MONDO:0010526, OMIM 301500, HP:0001071. Disease mechanism: Fabry disease is due to inactivating mutations in the X-linked GLA gene resulting in deficiency of the enzyme Alpha Galactosidase-A., loss of function.

Submission:

Labcorp Genetics (formerly Invitae), Labcorp
Classification: Uncertain significance for Fabry disease. Last evaluated: 2023-11-05. Review status: criteria provided, single submitter. Criteria: Invitae Variant Classification Sherloc (09022015). Collection method: clinical testing. Allele origin: germline.
Comment: This sequence change replaces serine, which is neutral and polar, with glycine, which is neutral and non-polar, at codon 238 of the GLA protein (p.Ser238Gly). This variant is not present in population databases (gnomAD no frequency). This variant has not been reported in the literature in individuals affected with GLA-related conditions. Advanced modeling of protein sequence and biophysical properties (such as structural, functional, and spatial information, amino acid conservation, physicochemical variation, residue mobility, and thermodynamic stability) performed at Invitae indicates that this missense variant is not expected to disrupt GLA protein function with a negative predictive value of 80%. Algorithms developed to predict the effect of sequence changes on RNA splicing suggest that this variant may create or strengthen a splice site. This variant disrupts the p.Ser238 amino acid residue in GLA. Other variant(s) that disrupt this residue have been determined to be pathogenic (PMID: 18154965, 23935525). This suggests that this residue is clinically significant, and that variants that disrupt this residue are likely to be disease-causing. In summary, the available evidence is currently insufficient to determine the role of this variant in disease. Therefore, it has been classified as a Variant of Uncertain Significance.

Literature cited by the submitters: PubMed 18154965; PubMed 23935525.

NM_000169.3(GLA):c.712A>G (p.Ser238Gly)

Genes: GLA (galactosidase alpha; minus strand), RPL36A-HNRNPH2 (RPL36A-HNRNPH2 readthrough; plus strand). Cytogenetic location: Xq22.1.
Variant type: single nucleotide variant.
Coding change: c.712A>G on transcript NM_000169.3 (MANE Select); coding-DNA position 712, A replaced by G.
Protein change: p.Ser238Gly; replaces serine 238 with glycine.
Molecular consequence: missense variant. On other transcripts: non-coding transcript variant (3), intron variant (2).
Genome position (GRCh38, 1-based): chrX:101,398,874, T>C on the plus strand (A>G on the coding strand, the complement: GLA is on the minus strand). VCF-style: chrX-101398874-T-C. GRCh37 (hg19) VCF-style: chrX-100653862-T-C.
Other names: c.835A>G, p.Ser279Gly (NM_001406747.1); c.712A>G, p.Ser238Gly (NM_001406748.1); c.300+3417T>C (NM_001199973.2); c.177+7052T>C (NM_001199974.2); short protein forms S238G, S279G.
Identifiers: ClinVar variation 2693481 (VCV002693481.3), dbSNP rs2520870870, ClinGen allele CA413924627.